The following is an entry in ClinVar:

ClinVar aggregate classification (germline): Uncertain significance (1 of 4 stars; one submission).

Conditions:
Fanconi anemia (FA). Also called: Fanconi's anemia. Identifiers: Orphanet 84, MedGen C0015625, MeSH D005199, MONDO:0019391.

Allele frequency attached by ClinVar (database versions not stated): gnomAD 0.00001.

Submission:

Labcorp Genetics (formerly Invitae), Labcorp
Classification: Uncertain significance for Fanconi anemia. Last evaluated: 2024-04-08. Review status: criteria provided, single submitter. Criteria: Invitae Variant Classification Sherloc (09022015). Collection method: clinical testing. Allele origin: germline.
Comment: This sequence change replaces leucine, which is neutral and non-polar, with proline, which is neutral and non-polar, at codon 417 of the FANCD2 protein (p.Leu417Pro). The frequency data for this variant in the population databases is considered unreliable, as metrics indicate poor data quality at this position in the gnomAD database. This variant has not been reported in the literature in individuals affected with FANCD2-related conditions. ClinVar contains an entry for this variant (Variation ID: 1020515). Advanced modeling of protein sequence and biophysical properties (such as structural, functional, and spatial information, amino acid conservation, physicochemical variation, residue mobility, and thermodynamic stability) performed at Invitae indicates that this missense variant is expected to disrupt FANCD2 protein function with a positive predictive value of 80%. In summary, the available evidence is currently insufficient to determine the role of this variant in disease. Therefore, it has been classified as a Variant of Uncertain Significance.

NM_001018115.3(FANCD2):c.1250T>C (p.Leu417Pro)

Genes: FANCD2 (FA complementation group D2; plus strand), LOC107303338 (3p25 FANCD2 Alu-mediated recombination region; plus strand). Cytogenetic location: 3p25.3.
Variant type: single nucleotide variant.
Coding change: c.1250T>C on transcript NM_001018115.3 (MANE Select); coding-DNA position 1250, T replaced by C.
Protein change: p.Leu417Pro; replaces leucine 417 with proline.
Molecular consequence: missense variant.
Genome position (GRCh38, 1-based): chr3:10,046,695, T>C. VCF-style: chr3-10046695-T-C. GRCh37 (hg19) VCF-style: chr3-10088379-T-C.
Other names: c.1250T>C, p.Leu417Pro (NM_001319984.2, NM_001374253.1, NM_001374254.1 and 1 more transcripts); short protein forms L417P.
Identifiers: ClinVar variation 1020515 (VCV001020515.8), dbSNP rs1369011648, ClinGen allele CA351734374.